The following is an entry in ClinVar:

NM_000701.8(ATP1A1):c.764G>A (p.Arg255His)

Gene: ATP1A1 (ATPase Na+/K+ transporting subunit alpha 1; plus strand). Cytogenetic location: 1p13.1.
Variant type: single nucleotide variant.
Coding change: c.764G>A on transcript NM_000701.8 (MANE Select); coding-DNA position 764, G replaced by A.
Protein change: p.Arg255His; replaces arginine 255 with histidine.
Molecular consequence: missense variant.
Genome position (GRCh38, 1-based): chr1:116,389,448, G>A. VCF-style: chr1-116389448-G-A. GRCh37 (hg19) VCF-style: chr1-116932070-G-A.
Other names: c.764G>A, p.Arg255His (NM_001160233.2); c.671G>A, p.Arg224His (NM_001160234.2); short protein forms R224H, R255H.
Identifiers: ClinVar variation 1954328 (VCV001954328.5), dbSNP rs1258171077, ClinGen allele CA341843391.

ClinVar aggregate classification (germline): Uncertain significance (1 of 4 stars; one submission).

Allele frequency attached by ClinVar (database versions not stated): TOPMed 0.00002; gnomAD exomes 0.00003; gnomAD 0.00001.
gnomAD v4.1: 50 of 1,613,946 alleles (0.0031%); highest among the groups gnomAD compares: East Asian, 0.011%; no homozygotes.

Submission:

Labcorp Genetics (formerly Invitae), Labcorp
Classification: Uncertain significance. Last evaluated: 2025-11-19. Review status: criteria provided, single submitter. Criteria: Invitae Variant Classification Sherloc (09022015). Collection method: clinical testing. Allele origin: germline.
Comment: This sequence change replaces arginine, which is basic and polar, with histidine, which is basic and polar, at codon 255 of the ATP1A1 protein (p.Arg255His). This variant is present in population databases (no rsID available, gnomAD 0.006%). This variant has not been reported in the literature in individuals affected with ATP1A1-related conditions. ClinVar contains an entry for this variant (Variation ID: 1954328). Invitae Evidence Modeling of protein sequence and biophysical properties (such as structural, functional, and spatial information, amino acid conservation, physicochemical variation, residue mobility, and thermodynamic stability) has been performed for this missense variant. However, the output from this modeling did not meet the statistical confidence thresholds required to predict the impact of this variant on ATP1A1 protein function. In summary, the available evidence is currently insufficient to determine the role of this variant in disease. Therefore, it has been classified as a Variant of Uncertain Significance.